The following is an entry in ClinVar:

ClinVar aggregate classification (germline): Likely benign (1 of 4 stars; one submission).

Conditions:
CYLD-related disorder. Also called: CYLD-related condition.

gnomAD v4.1: 1 of 1,613,994 alleles (0.000062%); highest among the groups gnomAD compares: Non-Finnish European, 0.000085%; no homozygotes.

Submission:

PreventionGenetics, part of Exact Sciences
Classification: Likely benign for CYLD-related condition. Last evaluated: 2025-04-11. Review status: criteria provided, single submitter. Criteria: ACMG Guidelines, 2015. Collection method: clinical testing. Allele origin: germline.
Comment: This variant is classified as likely benign based on ACMG/AMP sequence variant interpretation guidelines (Richards et al. 2015 PMID: 25741868, with internal and published modifications).

NM_001378743.1(CYLD):c.1986G>A (p.Leu662=)

Genes: CYLD (CYLD lysine 63 deubiquitinase; plus strand), CYLD-AS2 (CYLD antisense RNA 2; minus strand). Cytogenetic location: 16q12.1.
Variant type: single nucleotide variant.
Coding change: c.1986G>A on transcript NM_001378743.1 (MANE Select); coding-DNA position 1986, G replaced by A.
Protein change: p.Leu662=; no amino-acid change (leucine 662 retained).
Molecular consequence: synonymous variant. On other transcripts: non-coding transcript variant (1).
Genome position (GRCh38, 1-based): chr16:50,786,891, G>A. VCF-style: chr16-50786891-G-A. GRCh37 (hg19) VCF-style: chr16-50820802-G-A.
Other names: c.1977G>A, p.Leu659= (NM_001042355.2, NM_001042412.3, NM_001378744.1 and 6 more transcripts); c.1947G>A, p.Leu649= (NM_001378751.1, NM_001378752.1, NM_001378753.1); c.1311G>A, p.Leu437= (NM_001378754.1, NM_001378755.1); c.1986G>A, p.Leu662= (NM_015247.3).
Identifiers: ClinVar variation 4998529 (VCV004998529.1).